The following is an entry in ClinVar:

NM_003721.4(RFXANK):c.187+23A>G

Gene: RFXANK (regulatory factor X associated ankyrin containing protein; plus strand). Cytogenetic location: 19p13.11.
Variant type: single nucleotide variant.
Coding change: c.187+23A>G on transcript NM_003721.4 (MANE Select); 23 bases into the intron after coding-DNA position 187, A replaced by G.
Molecular consequence: intron variant.
Genome position (GRCh38, 1-based): chr19:19,194,156, A>G. VCF-style: chr19-19194156-A-G. GRCh37 (hg19) VCF-style: chr19-19304965-A-G.
Other names: c.187+23A>G (NM_001278727.2, NM_134440.3, NM_001370235.1 and 6 more transcripts).
Identifiers: ClinVar variation 2688128 (VCV002688128.2), dbSNP rs2283626, ClinGen allele CA9322615.
Genomic context (GRCh38, chr19:19,194,156, plus strand): 5'-GAATCCTGAACCGGATGCCAGTGTTTCCTCTCCACAGGGTAGGATACCTCCTCTGGGATT[A>G]GCCCTCTGGGATTCCATGATGATGGAATGTCAGGCCTCACATGGAACCTGTGTCTTGCTT-3'

ClinVar aggregate classification (germline): Benign (1 of 4 stars; one submission).

Allele frequency attached by ClinVar (database versions not stated): gnomAD exomes 0.14449; ESP Exome Variant Server 0.16162; gnomAD 0.17601; ExAC 0.17757; TOPMed 0.18812; 1000 Genomes Project 0.25260; 1000 Genomes Project 30x 0.25344.

Submission:

Unidad de Genómica Garrahan, Hospital de Pediatría Garrahan
Classification: Benign. Last evaluated: 2024-01-24. Review status: criteria provided, single submitter. Criteria: ACMG Guidelines, 2015. Collection method: clinical testing. Allele origin: germline. Affected: no. Observed: 46 variant alleles.
Comment: This variant is classified as Benign based on local population frequency. This variant was detected in 48% of patients studied by a panel of primary immunodeficiencies. Number of patients: 46. Only high quality variants are reported.